The following is an entry in ClinVar:

NM_001312673.2(PCYT1A):c.481C>T (p.His161Tyr)

Genes: PCYT1A (phosphate cytidylyltransferase 1A, choline; minus strand), LOC126806932 (BRD4-independent group 4 enhancer GRCh37_chr3:195973646-195974845; plus strand). Cytogenetic location: 3q29.
Variant type: single nucleotide variant.
Coding change: c.481C>T on transcript NM_001312673.2 (MANE Select); coding-DNA position 481, C replaced by T.
Protein change: p.His161Tyr; replaces histidine 161 with tyrosine.
Molecular consequence: missense variant.
Genome position (GRCh38, 1-based): chr3:196,247,372, G>A on the plus strand (C>T on the coding strand, the complement: PCYT1A is on the minus strand). VCF-style: chr3-196247372-G-A. GRCh37 (hg19) VCF-style: chr3-195974243-G-A.
Other names: c.481C>T, p.His161Tyr (NM_005017.4); short protein forms H161Y.
Identifiers: ClinVar variation 2119053 (VCV002119053.4), dbSNP rs2474027634, ClinGen allele CA355612478.
Genomic context (GRCh38, chr3:196,247,372, plus strand): 5'-TGAGAGTTGAGGGGATTCTGAAACAAGGAATGGGAATATGTGTCCAGTTTCTTACCCGGT[G>A]TTCGGCCAGGAACTCGGGTGTCAGCGTCCAGGGCGCATTCCTCACCACCTCATCCACGTA-3'
Protein context (NP_001299602.1, residues 151-171): WTLTPEFLAE[His161Tyr]RIDFVAHDDI

ClinVar aggregate classification (germline): Uncertain significance (1 of 4 stars; one submission).

Submission:

Labcorp Genetics (formerly Invitae), Labcorp
Classification: Uncertain significance. Last evaluated: 2022-03-28. Review status: criteria provided, single submitter. Criteria: Invitae Variant Classification Sherloc (09022015). Collection method: clinical testing. Allele origin: germline.
Comment: This variant has not been reported in the literature in individuals affected with PCYT1A-related conditions. This variant is not present in population databases (gnomAD no frequency). This sequence change replaces histidine, which is basic and polar, with tyrosine, which is neutral and polar, at codon 161 of the PCYT1A protein (p.His161Tyr). Advanced modeling of protein sequence and biophysical properties (such as structural, functional, and spatial information, amino acid conservation, physicochemical variation, residue mobility, and thermodynamic stability) performed at Invitae indicates that this missense variant is expected to disrupt PCYT1A protein function. In summary, the available evidence is currently insufficient to determine the role of this variant in disease. Therefore, it has been classified as a Variant of Uncertain Significance.